The following is an entry in ClinVar:

NM_000936.4(PNLIP):c.930A>G (p.Ala310=)

Gene: PNLIP (pancreatic lipase; plus strand). Cytogenetic location: 10q25.3.
Variant type: single nucleotide variant.
Coding change: c.930A>G on transcript NM_000936.4 (MANE Select); coding-DNA position 930, A replaced by G.
Protein change: p.Ala310=; no amino-acid change (alanine 310 retained).
Molecular consequence: synonymous variant.
Genome position (GRCh38, 1-based): chr10:116,556,118, A>G. VCF-style: chr10-116556118-A-G. GRCh37 (hg19) VCF-style: chr10-118315630-A-G.
Identifiers: ClinVar variation 3053381 (VCV003053381.3), dbSNP rs764436783, ClinGen allele CA5706631.

ClinVar aggregate classification (germline): Uncertain significance. Review status: criteria provided, single submitter (1 of 4 stars). 2 submissions from 2 submitters: Uncertain significance (1). 1 of the submissions does not count toward it. Last evaluated 2026-01-02.

Conditions:
PNLIP-related disorder. Also called: PNLIP-related condition.

Allele frequency attached by ClinVar (database versions not stated): ExAC 0.00001.
gnomAD v4.1: 3 of 1,561,812 alleles (0.00019%); highest among the groups gnomAD compares: Non-Finnish European, 0.00018%; no homozygotes.

Submissions (2):

Labcorp Genetics (formerly Invitae), Labcorp
Classification: Uncertain significance. Last evaluated: 2026-01-02. Review status: criteria provided, single submitter. Criteria: Invitae Variant Classification Sherloc (09022015). Collection method: clinical testing. Allele origin: germline.
Comment: This sequence change affects codon 310 of the PNLIP mRNA. It is a 'silent' change, meaning that it does not change the encoded amino acid sequence of the PNLIP protein. It affects a nucleotide within the consensus splice site. This variant is present in population databases (rs764436783, gnomAD 0.0009%). This variant has not been reported in the literature in individuals affected with PNLIP-related conditions. ClinVar contains an entry for this variant (Variation ID: 3053381). Algorithms developed to predict the effect of sequence changes on RNA splicing suggest that this variant is not likely to affect RNA splicing. In summary, the available evidence is currently insufficient to determine the role of this variant in disease. Therefore, it has been classified as a Variant of Uncertain Significance.

PreventionGenetics, part of Exact Sciences
Classification: Likely benign for PNLIP-related condition. Last evaluated: 2019-09-06. Review status: no assertion criteria provided. Collection method: clinical testing. Allele origin: germline. Not counted in ClinVar's aggregate classification.
Comment: This variant is classified as likely benign based on ACMG/AMP sequence variant interpretation guidelines (Richards et al. 2015 PMID: 25741868, with internal and published modifications).